The following is an entry in ClinVar:

NM_001298.3(CNGA3):c.724C>G (p.His242Asp)

Gene: CNGA3 (cyclic nucleotide gated channel subunit alpha 3; plus strand). Cytogenetic location: 2q11.2.
Variant type: single nucleotide variant.
Coding change: c.724C>G on transcript NM_001298.3 (MANE Select); coding-DNA position 724, C replaced by G.
Protein change: p.His242Asp; replaces histidine 242 with aspartic acid.
Molecular consequence: missense variant.
Genome position (GRCh38, 1-based): chr2:98,395,894, C>G. VCF-style: chr2-98395894-C-G. GRCh37 (hg19) VCF-style: chr2-99012357-C-G.
Other names: c.670C>G, p.His224Asp (NM_001079878.2); short protein forms H242D, H224D.
Identifiers: ClinVar variation 971798 (VCV000971798.9), dbSNP rs761494287, ClinGen allele CA1793882.

ClinVar aggregate classification (germline): Uncertain significance (1 of 4 stars; one submission).

Allele frequency attached by ClinVar (database versions not stated): gnomAD exomes below 0.00001; ExAC 0.00001; TOPMed 0.00001.
gnomAD v4.1: 6 of 1,614,220 alleles (0.00037%); highest among the groups gnomAD compares: Non-Finnish European, 0.00051%; no homozygotes.

Submission:

Labcorp Genetics (formerly Invitae), Labcorp
Classification: Uncertain significance. Last evaluated: 2019-09-28. Review status: criteria provided, single submitter. Criteria: Invitae Variant Classification Sherloc (09022015). Collection method: clinical testing. Allele origin: germline.
Comment: In summary, the available evidence is currently insufficient to determine the role of this variant in disease. Therefore, it has been classified as a Variant of Uncertain Significance. Algorithms developed to predict the effect of missense changes on protein structure and function (SIFT, PolyPhen-2, Align-GVGD) all suggest that this variant is likely to be tolerated, but these predictions have not been confirmed by published functional studies and their clinical significance is uncertain. This variant has not been reported in the literature in individuals with CNGA3-related conditions. The frequency data for this variant in the population databases is considered unreliable, as metrics indicate poor data quality at this position in the ExAC database. This sequence change replaces histidine with aspartic acid at codon 242 of the CNGA3 protein (p.His242Asp). The histidine residue is moderately conserved and there is a moderate physicochemical difference between histidine and aspartic acid.